The following is an entry in ClinVar:

NM_152743.4(BRAT1):c.1590del (p.Trp531fs)

Gene: BRAT1 (BRCA1 associated ATM activator 1; minus strand). Cytogenetic location: 7p22.3.
Variant type: Deletion.
Coding change: c.1590del on transcript NM_152743.4 (MANE Select); coding-DNA position 1590, one base deleted (C; older notation c.1590delC).
Protein change: p.Trp531fs; shifts the reading frame from tryptophan 531.
Molecular consequence: frameshift variant. On other transcripts: non-coding transcript variant (1).
Genome position (GRCh38, 1-based): chr7:2,539,551, G deleted on the plus strand (C on the coding strand, the reverse complement: BRAT1 is on the minus strand). VCF-style (leftmost placement, unchanged base first): chr7-2539550-AG-A. GRCh37 (hg19) VCF-style: chr7-2579184-AG-A.
Other names: c.1590del, p.Trp531fs (NM_001350626.2); c.1065del, p.Trp356fs (NM_001350627.2); short protein forms W531fs, W356fs.
Identifiers: ClinVar variation 1452250 (VCV001452250.6), dbSNP rs755075934, ClinGen allele CA4127686.

ClinVar aggregate classification (germline): Pathogenic (1 of 4 stars; one submission).

Conditions:
Neonatal-onset encephalopathy with rigidity and seizures. Also called: Lethal neonatal spasticity-epileptic encephalopathy syndrome. Identifiers: Orphanet 435845, MedGen C3281029, MONDO:0013784, OMIM 614498.

Allele frequency attached by ClinVar (database versions not stated): gnomAD exomes below 0.00001 and 0.00001.

Submission:

Labcorp Genetics (formerly Invitae), Labcorp
Classification: Pathogenic for Neonatal-onset encephalopathy with rigidity and seizures. Last evaluated: 2020-12-25. Review status: criteria provided, single submitter. Criteria: Invitae Variant Classification Sherloc (09022015). Collection method: clinical testing. Allele origin: germline.
Comment: This sequence change creates a premature translational stop signal (p.Trp531Glyfs*36) in the BRAT1 gene. It is expected to result in an absent or disrupted protein product. Loss-of-function variants in BRAT1 are known to be pathogenic (PMID: 22279524, 25500575). The frequency data for this variant in the population databases is considered unreliable, as metrics indicate poor data quality at this position in the ExAC database. This variant has not been reported in the literature in individuals with BRAT1-related conditions. For these reasons, this variant has been classified as Pathogenic.

Literature cited by the submitters: PubMed 22279524; PubMed 25500575.